The following is an entry in ClinVar:

NM_032444.4(SLX4):c.112C>T (p.Leu38Phe)

Gene: SLX4 (SLX4 structure-specific endonuclease subunit; minus strand). Cytogenetic location: 16p13.3.
Variant type: single nucleotide variant.
Coding change: c.112C>T on transcript NM_032444.4 (MANE Select); coding-DNA position 112, C replaced by T.
Protein change: p.Leu38Phe; replaces leucine 38 with phenylalanine.
Molecular consequence: missense variant.
Genome position (GRCh38, 1-based): chr16:3,608,853, G>A on the plus strand (C>T on the coding strand, the complement: SLX4 is on the minus strand). VCF-style: chr16-3608853-G-A. GRCh37 (hg19) VCF-style: chr16-3658854-G-A.
Other names: c.112C>T (LRG_503t1); short protein forms L38F.
Identifiers: ClinVar variation 526340 (VCV000526340.14), dbSNP rs141167501, ClinGen allele CA7866948.

ClinVar aggregate classification (germline): Uncertain significance. Review status: criteria provided, multiple submitters, no conflicts (2 of 4 stars). 4 submissions from 4 submitters: Uncertain significance (4). Last evaluated 2025-01-07.

Conditions:
Fanconi anemia (FA). Also called: Fanconi's anemia. Identifiers: Orphanet 84, MedGen C0015625, MeSH D005199, MONDO:0019391.
Fanconi anemia complementation group P. Also called: SLX4-Related Fanconi Anemia. Identifiers: Orphanet 84, MedGen C3469542, MONDO:0013499, OMIM 613951.

Allele frequency attached by ClinVar (database versions not stated): gnomAD 0.00001 and 0.00002; ExAC 0.00003; ESP Exome Variant Server 0.00008; 1000 Genomes Project 0.00020; gnomAD exomes 0.00003 and 0.00004; TOPMed 0.00005; 1000 Genomes Project 30x 0.00016.

Submissions (4):

Dasa
Classification: Uncertain significance. Last evaluated: 2025-01-07. Review status: criteria provided, single submitter. Criteria: DASA Assertion Criteria. Collection method: clinical testing. Allele origin: germline.
Comment: NM_032444.4(SLX4):c.112C>T (p.Leu38Phe) is a missense variant that results in the substitution of leucine with phenylalanine. This variant is rare in population databases. Computational prediction algorithms are consistent with a benign effect. The currently available literature and clinical evidence are not sufficient to establish a definitive association between this variant and the reported condition. Therefore, this variant is classified as a variant of uncertain significance.

Fulgent Genetics
Classification: Uncertain significance for Fanconi anemia complementation group P. Last evaluated: 2024-06-19. Review status: criteria provided, single submitter. Criteria: ACMG Guidelines, 2015. Collection method: clinical testing. Allele origin: germline.

Labcorp Genetics (formerly Invitae), Labcorp
Classification: Uncertain significance for Fanconi anemia. Last evaluated: 2023-07-26. Review status: criteria provided, single submitter. Criteria: Invitae Variant Classification Sherloc (09022015). Collection method: clinical testing. Allele origin: germline.
Comment: This sequence change replaces leucine, which is neutral and non-polar, with phenylalanine, which is neutral and non-polar, at codon 38 of the SLX4 protein (p.Leu38Phe). This variant is present in population databases (rs141167501, gnomAD 0.007%). This variant has not been reported in the literature in individuals affected with SLX4-related conditions. ClinVar contains an entry for this variant (Variation ID: 526340). An algorithm developed to predict the effect of missense changes on protein structure and function (PolyPhen-2) suggests that this variant is likely to be disruptive. In summary, the available evidence is currently insufficient to determine the role of this variant in disease. Therefore, it has been classified as a Variant of Uncertain Significance.

Illumina Laboratory Services, Illumina
Classification: Uncertain significance for Fanconi anemia complementation group P. Last evaluated: 2017-04-27. Review status: criteria provided, single submitter. Criteria: ICSL Variant Classification Criteria 13 December 2019. Collection method: clinical testing. Allele origin: germline.